The following is an entry in ClinVar:

ClinVar aggregate classification (germline): Pathogenic/Likely pathogenic. Review status: criteria provided, multiple submitters, no conflicts (2 of 4 stars). 2 submissions from 2 submitters: Pathogenic (1); Likely pathogenic (1). Last evaluated 2024-01-17.

Conditions:
Cholestanol storage disease (CTX). Also called: CEREBRAL CHOLESTERINOSIS; Cerebrotendinous Xanthomatosis; CTX: Cerebrotendinous xanthomatosis. Identifiers: Orphanet 909, MedGen C0238052, MONDO:0008948, OMIM 213700.

Submissions (2):

Labcorp Genetics (formerly Invitae), Labcorp
Classification: Pathogenic for Cholestanol storage disease. Last evaluated: 2024-01-17. Review status: criteria provided, single submitter. Criteria: Invitae Variant Classification Sherloc (09022015). Collection method: clinical testing. Allele origin: germline.
Comment: This sequence change creates a premature translational stop signal (p.Trp96*) in the CYP27A1 gene. It is expected to result in an absent or disrupted protein product. Loss-of-function variants in CYP27A1 are known to be pathogenic (PMID: 9392430, 10775536, 26937392). This variant is not present in population databases (gnomAD no frequency). This variant has not been reported in the literature in individuals affected with CYP27A1-related conditions. ClinVar contains an entry for this variant (Variation ID: 984198). For these reasons, this variant has been classified as Pathogenic.

Myriad Genetics, Inc.
Classification: Likely pathogenic for Cholestanol storage disease. Last evaluated: 2019-10-03. Review status: criteria provided, single submitter. Criteria: Myriad Women's Health Autosomal Recessive and X-Linked Classification Criteria (2019). Collection method: clinical testing. Allele origin: unknown.
Comment: NM_000784.3(CYP27A1):c.287G>A(W96*) is expected to be pathogenic in the context of cerebrotendinous xanthomatosis. This variant is predicted to lead to an abnormal or absent protein product due to the creation of a premature termination codon in CYP27A1, a gene where loss-of-function variants are known to be pathogenic. Please note: this variant was assessed in the context of healthy population screening.

Literature cited by the submitters: PubMed 9392430 (cited by Labcorp Genetics (formerly Invitae), Labcorp); PubMed 10775536 (cited by Labcorp Genetics (formerly Invitae), Labcorp); PubMed 26937392 (cited by Labcorp Genetics (formerly Invitae), Labcorp).

NM_000784.4(CYP27A1):c.287G>A (p.Trp96Ter)

Gene: CYP27A1 (cytochrome P450 family 27 subfamily A member 1; plus strand). Cytogenetic location: 2q35.
Variant type: single nucleotide variant.
Coding change: c.287G>A on transcript NM_000784.4 (MANE Select); coding-DNA position 287, G replaced by A.
Protein change: p.Trp96Ter; replaces tryptophan 96 with a stop codon.
Molecular consequence: nonsense.
Genome position (GRCh38, 1-based): chr2:218,809,608, G>A. VCF-style: chr2-218809608-G-A. GRCh37 (hg19) VCF-style: chr2-219674331-G-A.
Other names: short protein forms W96*.
Identifiers: ClinVar variation 984198 (VCV000984198.6), dbSNP rs1943689766, ClinGen allele CA350583023.